The following is an entry in ClinVar:

ClinVar aggregate classification (germline): Uncertain significance (1 of 4 stars; one submission).

Conditions:
Pitt-Hopkins-like syndrome 2 (PTHSL2). Identifiers: Orphanet 221150, Orphanet 600663, MedGen C3280479, MONDO:0013690, OMIM 614325.

Submission:

Labcorp Genetics (formerly Invitae), Labcorp
Classification: Uncertain significance for Pitt-Hopkins-like syndrome 2. Last evaluated: 2023-10-15. Review status: criteria provided, single submitter. Criteria: Invitae Variant Classification Sherloc (09022015). Collection method: clinical testing. Allele origin: germline.
Comment: This sequence change falls in intron 16 of the NRXN1 gene. It does not directly change the encoded amino acid sequence of the NRXN1 protein. It affects a nucleotide within the consensus splice site. This variant is not present in population databases (gnomAD no frequency). This variant has not been reported in the literature in individuals affected with NRXN1-related conditions. ClinVar contains an entry for this variant (Variation ID: 1044256). Variants that disrupt the consensus splice site are a relatively common cause of aberrant splicing (PMID: 17576681, 9536098). Algorithms developed to predict the effect of sequence changes on RNA splicing suggest that this variant is not likely to affect RNA splicing. In summary, the available evidence is currently insufficient to determine the role of this variant in disease. Therefore, it has been classified as a Variant of Uncertain Significance.

Literature cited by the submitters: PubMed 17576681; PubMed 9536098.

NM_001330078.2(NRXN1):c.3070+3A>G

Gene: NRXN1 (neurexin 1; minus strand). Cytogenetic location: 2p16.3.
Variant type: single nucleotide variant.
Coding change: c.3070+3A>G on transcript NM_001330078.2 (MANE Select); 3 bases into the intron after coding-DNA position 3070, A replaced by G.
Molecular consequence: intron variant.
Genome position (GRCh38, 1-based): chr2:50,495,902, T>C on the plus strand (A>G on the coding strand, the complement: NRXN1 is on the minus strand). VCF-style: chr2-50495902-T-C. GRCh37 (hg19) VCF-style: chr2-50723040-T-C.
Other names: c.2959+3A>G (NM_001330096.2, NM_001330087.2); c.3004+3A>G (NM_001330083.2, NM_001330084.2); c.2989+3A>G (NM_001330088.2); c.3067+3A>G (NM_001330093.2); c.3058+3A>G (NM_001330094.2); c.3019+3A>G (NM_001330095.2); c.3046+3A>G (NM_001330082.2, NM_001330077.2); c.3043+3A>G (NM_001330085.2); and 2 more.
Identifiers: ClinVar variation 1044256 (VCV001044256.6), dbSNP rs2091581139, ClinGen allele CA1249594009.